The following is an entry in ClinVar:

ClinVar aggregate classification (germline): Uncertain significance (1 of 4 stars; one submission).

Submission:

GeneDx
Classification: Uncertain significance. Last evaluated: 2026-03-12. Review status: criteria provided, single submitter. Criteria: GeneDx Variant Classification Process June 2021. Collection method: clinical testing. Allele origin: germline.
Comment: Not observed at significant frequency in large population cohorts (gnomAD); Frameshift variant predicted to result in protein truncation or nonsense mediated decay in a gene or region of a gene for which loss of function is not a well-established mechanism of disease; Has not been previously published as pathogenic or benign to our knowledge; Variants in candidate genes are classified as variants of uncertain significance in accordance with ACMG guidelines (PMID: 25741868)

NM_014921.5(ADGRL1):c.2281_2287del (p.Gln761fs)

Genes: ADGRL1 (adhesion G protein-coupled receptor L1; minus strand), ADGRL1-AS1 (ADGRL1 antisense RNA 1; plus strand). Cytogenetic location: 19p13.12.
Variant type: Deletion.
Coding change: c.2281_2287del on transcript NM_014921.5 (MANE Select); coding-DNA positions 2281 to 2287, 7 bases deleted (CAGGTCA; older notation c.2281_2287delCAGGTCA).
Protein change: p.Gln761fs; shifts the reading frame from glutamine 761.
Molecular consequence: frameshift variant.
Genome position (GRCh38, 1-based): chr19:14,158,415-14,158,421, TGACCTG deleted on the plus strand (CAGGTCA on the coding strand, the reverse complement: ADGRL1 is on the minus strand); deleting any 7 consecutive bases within chr19:14,158,415-14,158,424 gives the same sequence; the c. name uses the placement nearest the transcript's 3' end. VCF-style (leftmost placement, unchanged base first): chr19-14158414-ATGACCTG-A. GRCh37 (hg19) VCF-style: chr19-14269226-ATGACCTG-A.
Other names: c.2296_2302del, p.Gln766fs (NM_001008701.3); short protein forms Q766fs, Q761fs.
Identifiers: ClinVar variation 5009026 (VCV005009026.1).
Genomic context (GRCh38, chr19:14,158,414, plus strand): 5'-GTGAAGATGACAGGGTCCATGAGGAAGACGCGGCTGGACTCCTTGTTGATGGATGCTGCG[ATGACCTG>A]TGAGTTCACCACTAGAGAGGCGCCCCCAGGGCCACCCGGGCCTGCTTCGCCGGCCAGCTT-3'